The following is an entry in ClinVar:

NM_006904.7(PRKDC):c.9164G>A (p.Gly3055Glu)

Gene: PRKDC (protein kinase, DNA-activated, catalytic subunit; minus strand). Cytogenetic location: 8q11.21.
Variant type: single nucleotide variant.
Coding change: c.9164G>A on transcript NM_006904.7 (MANE Select); coding-DNA position 9164, G replaced by A.
Protein change: p.Gly3055Glu; replaces glycine 3055 with glutamic acid.
Molecular consequence: missense variant.
Genome position (GRCh38, 1-based): chr8:47,820,891, C>T on the plus strand (G>A on the coding strand, the complement: PRKDC is on the minus strand). VCF-style: chr8-47820891-C-T. GRCh37 (hg19) VCF-style: chr8-48733452-C-T.
Other names: c.9164G>A, p.Gly3055Glu (NM_001081640.2); short protein forms G3055E.
Identifiers: ClinVar variation 1057313 (VCV001057313.5), dbSNP rs754104095, ClinGen allele CA4739652.
Genomic context (GRCh38, chr8:47,820,891, plus strand): 5'-TTCTGGAGCTCCCCGTGCATAGCTTTGTCAATAAATGTCAGCAGGGACTGGTCAGCCTCT[C>T]CCTGGAGCAGCAGCTTCAGCTTGCTGCGGATCATGTAAGGTAGATATGTTTCCTAAGGAA-3'
Protein context (NP_008835.5, residues 3045-3065): IRSKLKLLLQ[Gly3055Glu]EADQSLLTFI

ClinVar aggregate classification (germline): Uncertain significance (1 of 4 stars; one submission).

Conditions:
Severe combined immunodeficiency due to DNA-PKcs deficiency. Also called: Immunodeficiency 26 with or without neurologic abnormalities; IMMUNODEFICIENCY 26 WITH NEUROLOGIC ABNORMALITIES. Identifiers: Orphanet 317425, MedGen C4014833, MONDO:0014423, OMIM 615966.

Allele frequency attached by ClinVar (database versions not stated): ExAC 0.00001; gnomAD exomes 0.00001; TOPMed 0.00001.
gnomAD v4.1: 3 of 1,609,230 alleles (0.00019%); highest among the groups gnomAD compares: African/African-American, 0.0013%; no homozygotes.

Submission:

Labcorp Genetics (formerly Invitae), Labcorp
Classification: Uncertain significance for Severe combined immunodeficiency due to DNA-PKcs deficiency. Last evaluated: 2022-10-05. Review status: criteria provided, single submitter. Criteria: Invitae Variant Classification Sherloc (09022015). Collection method: clinical testing. Allele origin: germline.
Comment: In summary, the available evidence is currently insufficient to determine the role of this variant in disease. Therefore, it has been classified as a Variant of Uncertain Significance. Experimental studies and prediction algorithms are not available or were not evaluated, and the functional significance of this variant is currently unknown. ClinVar contains an entry for this variant (Variation ID: 1057313). This variant has not been reported in the literature in individuals affected with PRKDC-related conditions. This variant is not present in population databases (gnomAD no frequency). This sequence change replaces glycine, which is neutral and non-polar, with glutamic acid, which is acidic and polar, at codon 3055 of the PRKDC protein (p.Gly3055Glu).